The following is an entry in ClinVar:

NM_001378204.1(CCDC18):c.977A>C (p.Asn326Thr)

Gene: CCDC18 (coiled-coil domain containing 18; plus strand). Cytogenetic location: 1p22.1.
Variant type: single nucleotide variant.
Coding change: c.977A>C on transcript NM_001378204.1 (MANE Select); coding-DNA position 977, A replaced by C.
Protein change: p.Asn326Thr; replaces asparagine 326 with threonine.
Molecular consequence: missense variant.
Genome position (GRCh38, 1-based): chr1:93,207,166, A>C. VCF-style: chr1-93207166-A-C. GRCh37 (hg19) VCF-style: chr1-93672723-A-C.
Other names: c.977A>C, p.Asn326Thr (NM_001306076.1, NM_206886.4); short protein forms N326T.
Identifiers: ClinVar variation 3060557 (VCV003060557.2), dbSNP rs2815413, ClinGen allele CA953913.

ClinVar aggregate classification (germline): Benign (0 of 4 stars; one submission).

Conditions:
CCDC18-related disorder. Also called: CCDC18-related condition.

Allele frequency attached by ClinVar (database versions not stated): TOPMed 0.69796; ESP Exome Variant Server 0.69854; gnomAD 0.71178; 1000 Genomes Project 30x 0.73548; 1000 Genomes Project 0.74800; gnomAD exomes 0.82195; ExAC 0.82449.
gnomAD v4.1: 1,298,670 of 1,601,230 alleles (81%); highest among the groups gnomAD compares: East Asian, 96%; 536,019 homozygotes.

Submission:

PreventionGenetics, part of Exact Sciences
Classification: Benign for CCDC18-related condition. Last evaluated: 2019-10-21. Review status: no assertion criteria provided. Collection method: clinical testing. Allele origin: germline.
Comment: This variant is classified as benign based on ACMG/AMP sequence variant interpretation guidelines (Richards et al. 2015 PMID: 25741868, with internal and published modifications).